The following is an entry in ClinVar:

ClinVar aggregate classification (germline): Likely pathogenic (1 of 4 stars; one submission).

Submission:

Baylor Genetics
Classification: Likely pathogenic. Last evaluated: 2018-11-01. Review status: criteria provided, single submitter. Criteria: ACMG CNV Guidelines, 2011. Collection method: clinical testing. Allele origin: de novo. Observed: 1 variant allele.

GRCh37/hg19 1p36.33(chr1:568708-1283779)

Genes: ACAP3 (ArfGAP with coiled-coil, ankyrin repeat and PH domains 3; minus strand), AGRN (agrin; plus strand), B3GALT6 (beta-1,3-galactosyltransferase 6; plus strand), C1QTNF12 (C1q and TNF related 12; minus strand), C1orf159 (chromosome 1 open reading frame 159; minus strand) and 22 more. Cytogenetic location: 1p36.33.
Variant type: copy number loss.
Identifiers: ClinVar variation 625817 (VCV000625817.1).